The following is an entry in ClinVar:

NM_000548.5(TSC2):c.1119+3G>T

Gene: TSC2 (TSC complex subunit 2; plus strand). Cytogenetic location: 16p13.3.
Variant type: single nucleotide variant.
Coding change: c.1119+3G>T on transcript NM_000548.5 (MANE Select); 3 bases into the intron after coding-DNA position 1119, G replaced by T.
Molecular consequence: intron variant.
Genome position (GRCh38, 1-based): chr16:2,060,816, G>T. VCF-style: chr16-2060816-G-T. GRCh37 (hg19) VCF-style: chr16-2110817-G-T.
Other names: c.519+3G>T (NM_001406680.1, NM_001406683.1, NM_001406687.1 and 6 more transcripts); c.-313+3G>T (NM_001406689.1, NM_001406690.1, NM_001406692.1 and 4 more transcripts); c.-489+3G>T (NM_001406698.1); c.1119+3G>T (NM_001114382.3, NM_001406663.1, NM_001406664.1 and 6 more transcripts); c.-194+3G>T (NM_001406694.1, NM_001406695.1); c.1107+3G>T (NM_001406671.1, NM_001406673.1); c.657+3G>T (NM_001406681.1); c.1008+3G>T (NM_001406670.1, NM_001318827.2, NM_001406678.1); and 4 more.
Identifiers: ClinVar variation 4842415 (VCV004842415.1).

ClinVar aggregate classification (germline): Uncertain significance (1 of 4 stars; one submission).

Conditions:
Hereditary cancer-predisposing syndrome. Also called: Neoplastic Syndromes, Hereditary; Tumor predisposition; Hereditary Cancer Syndrome; Hereditary neoplastic syndrome. Identifiers: Orphanet 140162, MedGen C0027672, MeSH D009386, MONDO:0015356.

gnomAD v4.1: 1 of 1,613,274 alleles (0.000062%); highest among the groups gnomAD compares: Non-Finnish European, 0.000085%; no homozygotes.

Submission:

Ambry Genetics
Classification: Uncertain significance for Hereditary cancer-predisposing syndrome. Last evaluated: 2025-12-30. Review status: criteria provided, single submitter. Criteria: Ambry Variant Classification Scheme 2023. Collection method: clinical testing. Allele origin: germline.
Comment: The c.1119+3G>T intronic variant results from a G to T substitution 3 nucleotides after coding exon 10 in the TSC2 gene. This nucleotide position is not well conserved in available vertebrate species. In silico splice site analysis predicts that this alteration will not have any significant effect on splicing. Based on the available evidence, the clinical significance of this variant remains unclear.